The following is an entry in ClinVar:

NM_015041.3(CLUAP1):c.430G>C (p.Ala144Pro)

Gene: CLUAP1 (clusterin associated protein 1; plus strand). Cytogenetic location: 16p13.3.
Variant type: single nucleotide variant.
Coding change: c.430G>C on transcript NM_015041.3 (MANE Select); coding-DNA position 430, G replaced by C.
Protein change: p.Ala144Pro; replaces alanine 144 with proline.
Molecular consequence: missense variant. On other transcripts: intron variant (1).
Genome position (GRCh38, 1-based): chr16:3,512,413, G>C. VCF-style: chr16-3512413-G-C. GRCh37 (hg19) VCF-style: chr16-3562413-G-C.
Other names: c.430G>C, p.Ala144Pro (NM_001330454.2); c.-4+2444G>C (NM_024793.3); short protein forms A144P.
Identifiers: ClinVar variation 1518818 (VCV001518818.8), dbSNP rs769946598, ClinGen allele CA7863727.
Genomic context (GRCh38, chr16:3,512,413, plus strand): 5'-AGGTTTCTGTTTTTGTTATTTTCCTTCCAGATTGCAGATTTGAAGGCAGCCAGGCAGCTT[G>C]CGTCTGAAATCACCTCCAAAGGAGCATCTCTGTATGACTTGCTCGGCATGGAAGTAGAGT-3'
Protein context (NP_055856.1, residues 134-154): IADLKAARQL[Ala144Pro]SEITSKGASL

ClinVar aggregate classification (germline): Uncertain significance (1 of 4 stars; one submission).

Allele frequency attached by ClinVar (database versions not stated): gnomAD exomes below 0.00001 and 0.00001; gnomAD 0.00001; ExAC 0.00002.
gnomAD v4.1: 3 of 1,613,942 alleles (0.00019%); highest among the groups gnomAD compares: Non-Finnish European, 0.00025%; no homozygotes.

Submission:

Labcorp Genetics (formerly Invitae), Labcorp
Classification: Uncertain significance. Last evaluated: 2022-02-04. Review status: criteria provided, single submitter. Criteria: Invitae Variant Classification Sherloc (09022015). Collection method: clinical testing. Allele origin: germline.
Comment: Algorithms developed to predict the effect of missense changes on protein structure and function are either unavailable or do not agree on the potential impact of this missense change (SIFT: "Deleterious"; PolyPhen-2: "Probably Damaging"; Align-GVGD: "Class C0"). This variant has not been reported in the literature in individuals affected with CLUAP1-related conditions. This variant is present in population databases (rs769946598, gnomAD 0.002%). This sequence change replaces alanine, which is neutral and non-polar, with proline, which is neutral and non-polar, at codon 144 of the CLUAP1 protein (p.Ala144Pro). In summary, the available evidence is currently insufficient to determine the role of this variant in disease. Therefore, it has been classified as a Variant of Uncertain Significance.